The following is an entry in ClinVar:

ClinVar aggregate classification (germline): Conflicting classifications of pathogenicity. Review status: criteria provided, conflicting classifications (1 of 4 stars). 10 submissions from 10 submitters: Pathogenic (3); Likely pathogenic (3); Uncertain significance (2). 2 of the submissions do not count toward it. Last evaluated 2026-05-01.

Conditions:
VWF-related disorder. Also called: VWF-related condition; VWF-related disorders.
Hereditary von Willebrand disease. Identifiers: Orphanet 903, MedGen C5703318, MONDO:0019565. Inheritance: Autosomal recessive or Autosomal dominant.
von Willebrand disease type 2 (VWD2). Also called: VON WILLEBRAND DISEASE, TYPE II; VWD, TYPE 2; VON WILLEBRAND DISEASE, TYPE 2A/IIE; VON WILLEBRAND DISEASE, TYPE 2CB. Identifiers: Orphanet 166081, Orphanet 903, MedGen C1264040, MONDO:0013304, OMIM 613554.
von Willebrand disease type 1 (VWD1). Also called: VON WILLEBRAND DISEASE, TYPE I; VWD, TYPE 1. Identifiers: Orphanet 166078, Orphanet 903, MedGen C1264039, MONDO:0008668, OMIM 193400. Inheritance: autosomal recessive or autosomal dominant.

Allele frequency attached by ClinVar (database versions not stated): gnomAD exomes below 0.00001; TOPMed below 0.00001; ExAC 0.00001; gnomAD 0.00001; ESP Exome Variant Server 0.00008.
gnomAD v4.1: 3 of 1,613,818 alleles (0.00019%); highest among the groups gnomAD compares: African/African-American, 0.0013%; no homozygotes.

Submissions (10):

CeGaT Center for Human Genetics Tuebingen
Classification: Likely pathogenic. Last evaluated: 2026-05-01. Review status: criteria provided, single submitter. Criteria: CeGaT Center For Human Genetics Tuebingen Variant Classification Criteria Version 2. Collection method: clinical testing. Allele origin: germline. Affected: yes. Observed: 1 variant allele.
Comment: VWF: PS4, PM2, PP4:Moderate

PreventionGenetics, part of Exact Sciences
Classification: Pathogenic for VWF-related condition. Last evaluated: 2026-02-04. Review status: criteria provided, single submitter. Criteria: ACMG Guidelines, 2015. Collection method: clinical testing. Allele origin: germline.
Comment: The VWF c.3108+5G>A variant is predicted to interfere with splicing. This variant was reported in an individual with type 1 Von Willebrand disease (Cumming et al. 2006. PubMed ID: 1708022; Veyradier et al. 2016. PubMed ID: 26986123; Flood et al. 2013. PubMed ID: 23520336). Additional studies report the c.3108+5G>A in patients with type 3 VWD in both the compound heterozygous state and homozygous state (Cumming et al. 2006. PubMed ID: 1708022; Baronciani et al. 2003. PubMed ID: 12737944). RNA analysis also showed skipping of exon 23 (Cumming et al. 2006. PubMed ID: 1708022). This variant is reported in 0.0062% of alleles in individuals of African descent in gnomAD. This variant is interpreted as pathogenic.

Blueprint Genetics
Classification: Likely pathogenic for VWF-related disorders. Last evaluated: 2022-11-14. Review status: criteria provided, single submitter. Criteria: ACMG Guidelines, 2015. Collection method: clinical testing. Allele origin: germline. Affected: yes. Observed: 5 variant alleles.

Quest Diagnostics Nichols Institute San Juan Capistrano
Classification: Pathogenic. Last evaluated: 2022-10-06. Review status: criteria provided, single submitter. Criteria: Quest Diagnostics criteria. Collection method: clinical testing. Allele origin: unknown.
Comment: The frequency of this variant in the general population, 0.000004 (1/251178 chromosomes), is uninformative in assessment of its pathogenicity. In the published literature, the variant has been identified in one compound heterozygote and one homozygote, both with type 3 VWD (PMID: 17080221 (2006), 12737944 (2003)). Additionally, the variant has also been reported to segregate with disease in one affected family (PMID: 17080221 (2006)). Splicing analysis has shown that the variant results in a skipping of exon 23, however the percent of affected transcribed RNAs is unknown (PMID: 17080221 (2006)). Additional analysis of this variant using software algorithms for the prediction of the effect of nucleotide changes on splicing yielded predictions that this variant may affect proper VWF mRNA splicing. Based on the available information, this variant is classified as pathogenic.

Women's Health and Genetics/Laboratory Corporation of America, LabCorp
Classification: Pathogenic for von Willebrand disorder. Last evaluated: 2022-04-15. Review status: criteria provided, single submitter. Criteria: LabCorp Variant Classification Summary - May 2015. Collection method: clinical testing. Allele origin: germline.
Comment: Variant summary: VWF c.3108+5G>A alters a non-conserved nucleotide located close to a canonical splice site and therefore could affect mRNA splicing, leading to a significantly altered protein sequence. Several computational tools predict a significant impact on normal splicing: one predicts the variant abolishes a 5' splicing donor site, while three predict the variant weakens a 5' donor site. At least one publication reported experimental evidence confirming that this variant affects mRNA splicing, by demonstrating skipping of exon 23 from patient derived RNA (Cumming_2006). The variant allele was found at a frequency of 4e-06 in 251178 control chromosomes (gnomAD). The variant, c.3108+5G>A, has been reported in the literature in homozygous and compound heterozygous state in individuals affected with Von Willebrand Disease (VWD) Type 3 (Baronciani_2003, Cumming_2006). The variant was also reported in heterozygous state in several individuals with a milder phenotype, i.e. VWD type 1 (see e.g. Cumming_2006, Flood_2013, Roberts_2016, Downes_2019), and in a large family the variant segregated with the phenotype (Cumming_2006). These data indicate that the variant is very likely to be associated with disease. Two clinical diagnostic laboratories have submitted clinical-significance assessments for this variant to ClinVar after 2014, one laboratory classified the variant as likely pathogenic, while the other laboratory classified the variant as uncertain significance. Based on the evidence outlined above, the variant was classified as pathogenic.

GeneDx
Classification: Likely pathogenic. Last evaluated: 2021-02-08. Review status: criteria provided, single submitter. Criteria: GeneDx Variant Classification Process June 2021. Collection method: clinical testing. Allele origin: germline. Affected: yes.
Comment: Intronic +5 splice site variant in a gene for which loss-of-function is a known mechanism of disease, and both splice predictors and evolutionary conservation support a deleterious effect, although in the absence of functional evidence the actual effect of this sequence change is unknown.; Not observed at a significant frequency in large population cohorts (Lek et al., 2016); This variant is associated with the following publications: (PMID: 31064749, 17080221, 29562472, 12737944, 18510569, 23520336, 26986123)

NIHR Bioresource Rare Diseases, University of Cambridge
Classification: Uncertain significance for von Willebrand disorder. Last evaluated: 2019-02-01. Review status: criteria provided, single submitter. Criteria: ACMG Guidelines, 2015. Collection method: research. Allele origin: unknown. Affected: yes. Observed: 1 heterozygote. Study: ThromboGenomics.

ISTH-SSC Genomics in Thrombosis and Hemostasis, KU Leuven, Center for Molecular and Vascular Biology
Classification: Uncertain significance for von Willebrand disease type 1. Review status: criteria provided, single submitter. Criteria: ACMG Guidelines, 2015. Collection method: clinical testing. Allele origin: germline. Affected: yes. Observed: 1 compound heterozygote.
Comment: Submitted to GoldVariant by Kathleen Freson, Center for Molecular and Vascular Biology, Leuven, Belgium

Angelo Bianchi Bonomi Hemophilia and Thrombosis Center, Fondazione IRCCS Ca Granda Ospedale Maggiore Policlinico
Classification: Likely pathogenic for von Willebrand disease type 2. Last evaluated: 2022-04-26. Review status: no assertion criteria provided. Collection method: clinical testing. Allele origin: germline. Affected: yes. Not counted in ClinVar's aggregate classification.

Academic Unit of Haematology, University of Sheffield
No classification provided. Review status: no classification provided. Collection method: not provided. Allele origin: not provided. Not counted in ClinVar's aggregate classification.

Literature cited by the submitters: PubMed 31064749 (cited by 3 submitters); PubMed 26986123 (cited by Quest Diagnostics Nichols Institute San Juan Capistrano and Women's Health and Genetics/Laboratory Corporation of America, LabCorp); PubMed 17080221 (cited by Quest Diagnostics Nichols Institute San Juan Capistrano and Women's Health and Genetics/Laboratory Corporation of America, LabCorp); PubMed 12737944 (cited by Quest Diagnostics Nichols Institute San Juan Capistrano and Women's Health and Genetics/Laboratory Corporation of America, LabCorp); PubMed 23520336 (cited by Women's Health and Genetics/Laboratory Corporation of America, LabCorp); PubMed 26917779 (cited by Women's Health and Genetics/Laboratory Corporation of America, LabCorp).

NM_000552.5(VWF):c.3108+5G>A

Gene: VWF (von Willebrand factor; minus strand). Cytogenetic location: 12p13.31.
Variant type: single nucleotide variant.
Coding change: c.3108+5G>A on transcript NM_000552.5 (MANE Select); 5 bases into the intron after coding-DNA position 3108, G replaced by A.
Molecular consequence: intron variant.
Genome position (GRCh38, 1-based): chr12:6,025,901, C>T on the plus strand (G>A on the coding strand, the complement: VWF is on the minus strand). VCF-style: chr12-6025901-C-T. GRCh37 (hg19) VCF-style: chr12-6135067-C-T.
Identifiers: ClinVar variation 100246 (VCV000100246.14), dbSNP rs61748495, ClinGen allele CA228377.